The following is an entry in ClinVar:

NM_000057.4(BLM):c.667G>A (p.Glu223Lys)

Gene: BLM (BLM RecQ like helicase; plus strand). Cytogenetic location: 15q26.1.
Variant type: single nucleotide variant.
Coding change: c.667G>A on transcript NM_000057.4 (MANE Select); coding-DNA position 667, G replaced by A.
Protein change: p.Glu223Lys; replaces glutamic acid 223 with lysine.
Molecular consequence: missense variant. On other transcripts: 5 prime UTR variant (1).
Genome position (GRCh38, 1-based): chr15:90,749,935, G>A. VCF-style: chr15-90749935-G-A. GRCh37 (hg19) VCF-style: chr15-91293165-G-A.
Other names: c.667G>A, p.Glu223Lys (NM_001287246.2, NM_001287247.2); c.-625G>A (NM_001287248.2); short protein forms E223K.
Identifiers: ClinVar variation 857376 (VCV000857376.10), dbSNP rs761533210, ClinGen allele CA393841291.

ClinVar aggregate classification (germline): Uncertain significance (1 of 4 stars; one submission).

Conditions:
Bloom syndrome (BLM). Also called: Bloom-Torre-Machacek syndrome. Identifiers: Orphanet 125, MedGen C0005859, MONDO:0008876, OMIM 210900.

Submission:

Labcorp Genetics (formerly Invitae), Labcorp
Classification: Uncertain significance for Bloom syndrome. Last evaluated: 2019-11-26. Review status: criteria provided, single submitter. Criteria: Invitae Variant Classification Sherloc (09022015). Collection method: clinical testing. Allele origin: germline.
Comment: In summary, the available evidence is currently insufficient to determine the role of this variant in disease. Therefore, it has been classified as a Variant of Uncertain Significance. Algorithms developed to predict the effect of missense changes on protein structure and function output the following: SIFT: "Tolerated"; PolyPhen-2: "Benign"; Align-GVGD: "Class C0". The lysine amino acid residue is found in multiple mammalian species, suggesting that this missense change does not adversely affect protein function. These predictions have not been confirmed by published functional studies and their clinical significance is uncertain. This variant has not been reported in the literature in individuals with BLM-related conditions. This variant is not present in population databases (ExAC no frequency). This sequence change replaces glutamic acid with lysine at codon 223 of the BLM protein (p.Glu223Lys). The glutamic acid residue is weakly conserved and there is a small physicochemical difference between glutamic acid and lysine.